The following is an entry in ClinVar:

NM_006231.4(POLE):c.3812G>C (p.Trp1271Ser)

Gene: POLE (DNA polymerase epsilon, catalytic subunit; minus strand). Cytogenetic location: 12q24.33.
Variant type: single nucleotide variant.
Coding change: c.3812G>C on transcript NM_006231.4 (MANE Select); coding-DNA position 3812, G replaced by C.
Protein change: p.Trp1271Ser; replaces tryptophan 1271 with serine.
Molecular consequence: missense variant.
Genome position (GRCh38, 1-based): chr12:132,649,499, C>G on the plus strand (G>C on the coding strand, the complement: POLE is on the minus strand). VCF-style: chr12-132649499-C-G. GRCh37 (hg19) VCF-style: chr12-133226085-C-G.
Other names: c.3812G>C (NM_006231.2); short protein forms W1271S.
Identifiers: ClinVar variation 660823 (VCV000660823.9), dbSNP rs778038028, ClinGen allele CA6893083.

ClinVar aggregate classification (germline): Uncertain significance. Review status: criteria provided, multiple submitters, no conflicts (2 of 4 stars). 2 submissions from 2 submitters: Uncertain significance (2). Last evaluated 2026-06-18.

Conditions:
Hereditary cancer-predisposing syndrome. Also called: Neoplastic Syndromes, Hereditary; Hereditary Cancer Syndrome; Hereditary neoplastic syndrome; Tumor predisposition. Identifiers: Orphanet 140162, MedGen C0027672, MeSH D009386, MONDO:0015356.

Allele frequency attached by ClinVar (database versions not stated): gnomAD exomes below 0.00001.

Submissions (2):

Ambry Genetics
Classification: Uncertain significance for Hereditary cancer-predisposing syndrome. Last evaluated: 2026-06-18. Review status: criteria provided, single submitter. Criteria: Ambry Variant Classification Scheme 2023. Collection method: clinical testing. Allele origin: germline.
Comment: The p.W1271S variant (also known as c.3812G>C), located in coding exon 31 of the POLE gene, results from a G to C substitution at nucleotide position 3812. The tryptophan at codon 1271 is replaced by serine, an amino acid with highly dissimilar properties. This amino acid position is conserved. In addition, this alteration is predicted to be deleterious by in silico analysis. Based on the available evidence, the clinical significance of this variant remains unclear.

Labcorp Genetics (formerly Invitae), Labcorp
Classification: Uncertain significance. Last evaluated: 2024-02-06. Review status: criteria provided, single submitter. Criteria: Invitae Variant Classification Sherloc (09022015). Collection method: clinical testing. Allele origin: germline.
Comment: This sequence change replaces tryptophan, which is neutral and slightly polar, with serine, which is neutral and polar, at codon 1271 of the POLE protein (p.Trp1271Ser). This variant is present in population databases (rs778038028, gnomAD 0.007%). This variant has not been reported in the literature in individuals affected with POLE-related conditions. ClinVar contains an entry for this variant (Variation ID: 660823). Advanced modeling of protein sequence and biophysical properties (such as structural, functional, and spatial information, amino acid conservation, physicochemical variation, residue mobility, and thermodynamic stability) performed at Invitae indicates that this missense variant is expected to disrupt POLE protein function with a positive predictive value of 80%. In summary, the available evidence is currently insufficient to determine the role of this variant in disease. Therefore, it has been classified as a Variant of Uncertain Significance.